The following is an entry in ClinVar:

ClinVar aggregate classification (germline): Uncertain significance (1 of 4 stars; one submission).

Conditions:
Developmental and epileptic encephalopathy 94 (DEE94). Also called: Epileptic encephalopathy, childhood-onset; CHD2-Related Neurodevelopmental Disorders. Identifiers: Orphanet 1942, Orphanet 2382, MedGen C3809278, MONDO:0014150, OMIM 615369.

Allele frequency attached by ClinVar (database versions not stated): gnomAD 0.00001.
gnomAD v4.1: 1 of 1,612,528 alleles (0.000062%); highest among the groups gnomAD compares: Non-Finnish European, 0.000085%; no homozygotes.

Submission:

Labcorp Genetics (formerly Invitae), Labcorp
Classification: Uncertain significance for Developmental and epileptic encephalopathy 94. Last evaluated: 2023-04-23. Review status: criteria provided, single submitter. Criteria: Invitae Variant Classification Sherloc (09022015). Collection method: clinical testing. Allele origin: germline.
Comment: In summary, the available evidence is currently insufficient to determine the role of this variant in disease. Therefore, it has been classified as a Variant of Uncertain Significance. Advanced modeling of protein sequence and biophysical properties (such as structural, functional, and spatial information, amino acid conservation, physicochemical variation, residue mobility, and thermodynamic stability) performed at Invitae indicates that this missense variant is not expected to disrupt CHD2 protein function. This variant has not been reported in the literature in individuals affected with CHD2-related conditions. This variant is not present in population databases (gnomAD no frequency). This sequence change replaces glycine, which is neutral and non-polar, with serine, which is neutral and polar, at codon 1333 of the CHD2 protein (p.Gly1333Ser).

NM_001271.4(CHD2):c.3997G>A (p.Gly1333Ser)

Gene: CHD2 (chromodomain helicase DNA binding protein 2; plus strand). Cytogenetic location: 15q26.1.
Variant type: single nucleotide variant.
Coding change: c.3997G>A on transcript NM_001271.4 (MANE Select); coding-DNA position 3997, G replaced by A.
Protein change: p.Gly1333Ser; replaces glycine 1333 with serine.
Molecular consequence: missense variant.
Genome position (GRCh38, 1-based): chr15:92,998,610, G>A. VCF-style: chr15-92998610-G-A. GRCh37 (hg19) VCF-style: chr15-93541840-G-A.
Other names: short protein forms G1333S.
Identifiers: ClinVar variation 2962822 (VCV002962822.3), dbSNP rs765941790, ClinGen allele CA274872083.
Genomic context (GRCh38, chr15:92,998,610, plus strand): 5'-CGAGCGGATTACTTGTTGAAGCTGCTCAGAAAGGGTCTGGAGAAGAAGGGGGCTGTGACA[G>A]GTGGGGAAGAGGTGAGTACGCTGCCAGCTGGTTGTTTTTCAGGGGCCTGAGGCTCCTACC-3'
Protein context (NP_001262.3, residues 1323-1343): KGLEKKGAVT[Gly1333Ser]GEEAKLKKRK